The following is an entry in ClinVar:

NM_000443.4(ABCB4):c.857C>T (p.Ala286Val)

Gene: ABCB4 (ATP binding cassette subfamily B member 4; minus strand). Cytogenetic location: 7q21.12.
Variant type: single nucleotide variant.
Coding change: c.857C>T on transcript NM_000443.4 (MANE Select); coding-DNA position 857, C replaced by T.
Protein change: p.Ala286Val; replaces alanine 286 with valine.
Molecular consequence: missense variant.
Genome position (GRCh38, 1-based): chr7:87,447,182, G>A on the plus strand (C>T on the coding strand, the complement: ABCB4 is on the minus strand). VCF-style: chr7-87447182-G-A. GRCh37 (hg19) VCF-style: chr7-87076498-G-A.
Other names: c.857C>T, p.Ala286Val (NM_018849.3, NM_018850.3); short protein forms A286V.
Identifiers: ClinVar variation 1434402 (VCV001434402.8), dbSNP rs765478923, ClinGen allele CA4327433.

ClinVar aggregate classification (germline): Conflicting classifications of pathogenicity. Review status: criteria provided, conflicting classifications (1 of 4 stars). 3 submissions from 3 submitters: Pathogenic (1); Uncertain significance (2). Last evaluated 2026-04-14.

Conditions:
Familial intrahepatic cholestasis. Identifiers: Orphanet 284385, MedGen CN296401, MONDO:0017290.
Low phospholipid associated cholelithiasis (GBD1). Also called: Gallstone cholecystitis; Gallbladder disease 1. Identifiers: Orphanet 69663, MedGen C2609268, MONDO:0010939, OMIM 600803.

Allele frequency attached by ClinVar (database versions not stated): gnomAD exomes 0.00002; gnomAD 0.00003; TOPMed 0.00001; ExAC 0.00002.
gnomAD v4.1: 32 of 1,613,552 alleles (0.002%); highest among the groups gnomAD compares: Non-Finnish European, 0.0026%; no homozygotes.

Submissions (3):

Genomenon, Inc
Classification: Pathogenic for Familial intrahepatic cholestasis; Low phospholipid associated cholelithiasis. Last evaluated: 2026-04-14. Review status: criteria provided, single submitter. Criteria: Genomenon Sequence Variant Interpretation Standards - Updated. Collection method: curation. Allele origin: germline. Affected: yes.
Comment: ABCB4 p.Ala286Val (c.857C>T) is a missense variant that changes the amino acid at residue 286 from Alanine to Valine. This variant has been observed in at least one proband with an ABCB4-related disorder (PMID:23533021;21119540). It has been observed in trans with a pathogenic or likely pathogenic variant (PMID:21119540). At least one functional study has demonstrated a substantial alteration in protein function relative to the wild-type (PMID:24806754). It is absent or not present at a significant frequency in gnomAD. In silico models predict that this variant is possibly or probably damaging. In conclusion, we classify ABCB4 p.Ala286Val (c.857C>T) as a pathogenic variant.

Labcorp Genetics (formerly Invitae), Labcorp
Classification: Uncertain significance. Last evaluated: 2025-11-18. Review status: criteria provided, single submitter. Criteria: Invitae Variant Classification Sherloc (09022015). Collection method: clinical testing. Allele origin: germline.
Comment: This sequence change replaces alanine, which is neutral and non-polar, with valine, which is neutral and non-polar, at codon 286 of the ABCB4 protein (p.Ala286Val). This variant is present in population databases (rs765478923, gnomAD 0.004%). This missense change has been observed in individual(s) with clinical features of progressive familial intrahepatic cholestasis (PMID: 17726488, 22331132, 23533021, 36277956). ClinVar contains an entry for this variant (Variation ID: 1434402). Invitae Evidence Modeling of protein sequence and biophysical properties (such as structural, functional, and spatial information, amino acid conservation, physicochemical variation, residue mobility, and thermodynamic stability) indicates that this missense variant is not expected to disrupt ABCB4 protein function with a negative predictive value of 80%. Experimental studies are conflicting or provide insufficient evidence to determine the effect of this variant on ABCB4 function (PMID: 24806754, 27256251). In summary, the available evidence is currently insufficient to determine the role of this variant in disease. Therefore, it has been classified as a Variant of Uncertain Significance.

Women's Health and Genetics/Laboratory Corporation of America, LabCorp
Classification: Uncertain significance. Last evaluated: 2024-03-20. Review status: criteria provided, single submitter. Criteria: LabCorp Variant Classification Summary - May 2015. Collection method: clinical testing. Allele origin: germline.
Comment: Variant summary: ABCB4 c.857C>T (p.Ala286Val) results in a non-conservative amino acid change located in the ABC transporter type 1, transmembrane domain (IPR011527) of the encoded protein sequence. Five of five in-silico tools predict a damaging effect of the variant on protein function. The variant allele was found at a frequency of 1.6e-05 in 250866 control chromosomes. c.857C>T has been reported in the literature in at least one compound heterozygous individual affected with Progressive Familial Intrahepatic Cholestasis (e.g. Degiorgio_2007), and in heterozygous individuals affected with low-phospholipid associated cholelithiasis (e.g. Wendum_2012, Poupon_2013, Biyoukar_2022). These data do not allow any conclusion about variant significance. Two independent experimental studies evaluating the effect of the variant on protein function have shown conflicting evidence: Andress_2014 showed the variant had nearly absent floppase activity and Park_2016 showed no significant differences from wild-type. These studies do not allow for any conclusion about variant significance. The following publications have been ascertained in the context of this evaluation (PMID: 17726488, 27256251, 22331132, 24806754, 23533021, 36277956). ClinVar contains an entry for this variant (Variation ID: 1434402). Based on the evidence outlined above, the variant was classified as uncertain significance.

Literature cited by the submitters: PubMed 23533021 (cited by 3 submitters); PubMed 21119540 (cited by Genomenon, Inc); PubMed 24806754 (cited by 3 submitters); PubMed 17726488 (cited by Labcorp Genetics (formerly Invitae), Labcorp and Women's Health and Genetics/Laboratory Corporation of America, LabCorp); PubMed 22331132 (cited by Labcorp Genetics (formerly Invitae), Labcorp and Women's Health and Genetics/Laboratory Corporation of America, LabCorp); PubMed 36277956 (cited by Labcorp Genetics (formerly Invitae), Labcorp and Women's Health and Genetics/Laboratory Corporation of America, LabCorp); PubMed 27256251 (cited by Labcorp Genetics (formerly Invitae), Labcorp and Women's Health and Genetics/Laboratory Corporation of America, LabCorp).